The following is an entry in ClinVar:

ClinVar aggregate classification (germline): Uncertain significance (1 of 4 stars; one submission).

Submission:

Women's Health and Genetics/Laboratory Corporation of America, LabCorp
Classification: Uncertain significance. Last evaluated: 2024-02-13. Review status: criteria provided, single submitter. Criteria: LabCorp Variant Classification Summary - May 2015. Collection method: clinical testing. Allele origin: germline.
Comment: Variant summary: DDC c.175G>T (p.Asp59Tyr) results in a non-conservative amino acid change in the encoded protein sequence. Five of five in-silico tools predict a damaging effect of the variant on protein function. The variant was absent in 251388 control chromosomes. The available data on variant occurrences in the general population are insufficient to allow any conclusion about variant significance. To our knowledge, no occurrence of c.175G>T in individuals affected with Deficiency Of Aromatic-L-Amino-Acid Decarboxylase and no experimental evidence demonstrating its impact on protein function have been reported. No submitters have cited clinical-significance assessments for this variant to ClinVar. Based on the evidence outlined above, the variant was classified as uncertain significance.

NM_001082971.2(DDC):c.175G>T (p.Asp59Tyr)

Gene: DDC (dopa decarboxylase; minus strand). Cytogenetic location: 7p12.1.
Variant type: single nucleotide variant.
Coding change: c.175G>T on transcript NM_001082971.2 (MANE Select); coding-DNA position 175, G replaced by T.
Protein change: p.Asp59Tyr; replaces aspartic acid 59 with tyrosine.
Molecular consequence: missense variant.
Genome position (GRCh38, 1-based): chr7:50,543,911, C>A on the plus strand (G>T on the coding strand, the complement: DDC is on the minus strand). VCF-style: chr7-50543911-C-A. GRCh37 (hg19) VCF-style: chr7-50611609-C-A.
Other names: c.175G>T, p.Asp59Tyr (NM_000790.4, NM_001242886.2, NM_001242887.2 and 3 more transcripts); short protein forms D59Y.
Identifiers: ClinVar variation 3068904 (VCV003068904.2), dbSNP rs931702374, ClinGen allele CA367531458.